The following is an entry in ClinVar:

ClinVar aggregate classification (germline): Uncertain significance (1 of 4 stars; one submission).

Conditions:
Fabry disease. Also called: Fabry's disease; ALPHA-GALACTOSIDASE A DEFICIENCY; ANDERSON-FABRY DISEASE; CERAMIDE TRIHEXOSIDASE DEFICIENCY; GLA DEFICIENCY; HEREDITARY DYSTOPIC LIPIDOSIS. Identifiers: Orphanet 324, MedGen C0002986, MONDO:0010526, OMIM 301500, HP:0001071. Disease mechanism: Fabry disease is due to inactivating mutations in the X-linked GLA gene resulting in deficiency of the enzyme Alpha Galactosidase-A., loss of function.

Submission:

Genomenon, Inc
Classification: Uncertain significance for Fabry disease. Last evaluated: 2026-09-08. Review status: criteria provided, single submitter. Criteria: Genomenon Sequence Variant Interpretation Standards - Updated. Collection method: curation. Allele origin: germline. Affected: no.
Comment: GLA p.Gln111Lys (c.331C>A) is a missense variant that changes the amino acid at codon 111 from Glutamine to Lysine. This variant has been reported in the published literature (PMID:39468034). It is absent or not present at a significant frequency in gnomAD. In conclusion, we classify GLA p.Gln111Lys (c.331C>A) as a variant of uncertain significance.

Literature cited by the submitters: PubMed 39468034.

NM_000169.3(GLA):c.331C>A (p.Gln111Lys)

Genes: GLA (galactosidase alpha; minus strand), RPL36A-HNRNPH2 (RPL36A-HNRNPH2 readthrough; plus strand). Cytogenetic location: Xq22.1.
Variant type: single nucleotide variant.
Coding change: c.331C>A on transcript NM_000169.3 (MANE Select); coding-DNA position 331, C replaced by A.
Protein change: p.Gln111Lys; replaces glutamine 111 with lysine.
Molecular consequence: missense variant. On other transcripts: non-coding transcript variant (3), intron variant (2).
Genome position (GRCh38, 1-based): chrX:101,403,849, G>T on the plus strand (C>A on the coding strand, the complement: GLA is on the minus strand). VCF-style: chrX-101403849-G-T. GRCh37 (hg19) VCF-style: chrX-100658837-G-T.
Other names: c.454C>A, p.Gln152Lys (NM_001406747.1, NM_001406749.1); c.331C>A, p.Gln111Lys (NM_001406748.1); c.301-8087G>T (NM_001199973.2); c.178-8087G>T (NM_001199974.2); short protein forms Q111K, Q152K.
Identifiers: ClinVar variation 4974880 (VCV004974880.1).
Genomic context (GRCh38, chrX:101,403,849, plus strand): 5'-AGAACATTATCTATAAACTCACATAATTAGCTAGCTGGCGAATCCCATGAGGAAAGCGCT[G>T]AGGGTCTGCCTGAAGTCTGCCTTCTGAATCTCTTTGGGGAGCCATCCAACAGTCATCAAT-3'
Protein context (NP_000160.1, residues 101-121): DSEGRLQADP[Gln111Lys]RFPHGIRQLA